The following is an entry in ClinVar:

ClinVar aggregate classification (germline): Pathogenic. Review status: criteria provided, multiple submitters, no conflicts (2 of 4 stars). 2 submissions from 2 submitters: Pathogenic (2). Last evaluated 2025-12-15.

Conditions:
Retinitis pigmentosa 2 (RP2). Also called: Retinitis pigmentosa 2, X linked. Identifiers: Orphanet 791, MedGen C2681923, MONDO:0010723, OMIM 312600.
RP2-related disorder. Also called: RP2-related condition.

gnomAD v4.1: 1 of 1,203,503 alleles (0.000083%); highest among the groups gnomAD compares: East Asian, 0.003%; no homozygotes.

Submissions (2):

3billion
Classification: Pathogenic for Retinitis pigmentosa 2. Last evaluated: 2025-12-15. Review status: criteria provided, single submitter. Criteria: ACMG Guidelines, 2015. Collection method: clinical testing. Allele origin: germline. Affected: yes.
Comment: The variant is observed at an extremely low frequency in the gnomAD v4.1.0 dataset (total allele frequency: <0.001%). Predicted Consequence/Location: Canonical splice site: predicted to alter splicing and result in a loss or disruption of normal protein function. Multiple pathogenic loss-of-function variants are reported downstream of the variant. In silico tools predict the variant to alter splicing and produce an abnormal transcript [SpliceAI: 0.97 (spliceogenicity >=0.2, non-spliceogenicity <0.1)]. The variant has been reported to be associated with RP2-related disorder (ClinVar ID: VCV003776231 /3billion dataset). Therefore, this variant is classified as Pathogenic according to the recommendation of ACMG/AMP guideline.

Blueprint Genetics
Classification: Pathogenic for RP2-related disorders. Last evaluated: 2020-11-12. Review status: criteria provided, single submitter. Criteria: ACMG Guidelines, 2015. Collection method: clinical testing. Allele origin: germline. Affected: yes. Observed: 5 variant alleles.

NM_006915.3(RP2):c.768+1G>T

Gene: RP2 (RP2 activator of ARL3 GTPase; plus strand). Cytogenetic location: Xp11.3.
Variant type: single nucleotide variant.
Coding change: c.768+1G>T on transcript NM_006915.3 (MANE Select); the canonical splice donor site of the intron after coding-DNA position 768, G replaced by T.
Molecular consequence: splice donor variant.
Genome position (GRCh38, 1-based): chrX:46,854,142, G>T. VCF-style: chrX-46854142-G-T. GRCh37 (hg19) VCF-style: chrX-46713577-G-T.
Identifiers: ClinVar variation 3776231 (VCV003776231.3).